The following is an entry in ClinVar:

ClinVar aggregate classification (germline): Likely benign. Review status: criteria provided, multiple submitters, no conflicts (2 of 4 stars). 4 submissions from 4 submitters: Likely benign (4). Last evaluated 2024-05-20.

Conditions:
Cardiovascular phenotype. Identifiers: MedGen CN230736.
Catecholaminergic polymorphic ventricular tachycardia (CVPT). Also called: Catecholamine-induced polymorphic ventricular tachycardia. Identifiers: Orphanet 3286, MedGen C5574922, MONDO:0017990.
Cardiomyopathy (CMYO). Also called: Cardiomyopathies. Identifiers: Orphanet 167848, MedGen C0878544, MONDO:0004994, HP:0001638. Inheritance: Various modes of inheritance.
Catecholaminergic polymorphic ventricular tachycardia 1. Also called: VENTRICULAR TACHYCARDIA, CATECHOLAMINERGIC POLYMORPHIC, 1, WITH OR WITHOUT ATRIAL DYSFUNCTION AND/OR DILATED CARDIOMYOPATHY; RYR2-Related Catecholaminergic Polymorphic Ventricular Tachycardia; VENTRICULAR TACHYCARDIA, STRESS-INDUCED POLYMORPHIC 1. Identifiers: Orphanet 3286, MedGen C1631597, MONDO:0011484, OMIM 604772.

Submissions (4):

Labcorp Genetics (formerly Invitae), Labcorp
Classification: Likely benign for Catecholaminergic polymorphic ventricular tachycardia 1. Last evaluated: 2024-05-20. Review status: criteria provided, single submitter. Criteria: Invitae Variant Classification Sherloc (09022015). Collection method: clinical testing. Allele origin: germline.

All of Us Research Program, National Institutes of Health
Classification: Likely benign for Catecholaminergic polymorphic ventricular tachycardia. Last evaluated: 2023-04-15. Review status: criteria provided, single submitter. Criteria: ACMG Guidelines, 2015. Collection method: clinical testing. Allele origin: germline. Inheritance: Autosomal dominant inheritance. Observed: 1 variant allele, 1 heterozygote.
Comment: This study involves interpretation of variants in research participants for the purpose of population health screening. Participant phenotype was not available at the time of variant classification. Additional details can be found in publication PMID: 35346344, PMCID: PMC8962531

Ambry Genetics
Classification: Likely benign for Cardiovascular phenotype. Last evaluated: 2019-10-20. Review status: criteria provided, single submitter. Criteria: Ambry Variant Classification Scheme 2023. Collection method: clinical testing. Allele origin: germline.

Color Diagnostics, LLC DBA Color Health
Classification: Likely benign for Cardiomyopathy. Last evaluated: 2018-11-25. Review status: criteria provided, single submitter. Criteria: ACMG Guidelines, 2015. Collection method: clinical testing. Allele origin: germline.

NM_001035.3(RYR2):c.3246G>A (p.Gly1082=)

Gene: RYR2 (ryanodine receptor 2; plus strand). Cytogenetic location: 1q43.
Variant type: single nucleotide variant.
Coding change: c.3246G>A on transcript NM_001035.3 (MANE Select); coding-DNA position 3246, G replaced by A.
Protein change: p.Gly1082=; no amino-acid change (glycine 1082 retained).
Molecular consequence: synonymous variant.
Genome position (GRCh38, 1-based): chr1:237,566,598, G>A. VCF-style: chr1-237566598-G-A. GRCh37 (hg19) VCF-style: chr1-237729898-G-A.
Other names: c.3246G>A (NM_001035.2).
Identifiers: ClinVar variation 920723 (VCV000920723.8), dbSNP rs1672110603, ClinGen allele CA423819115.
Genomic context (GRCh38, chr1:237,566,598, plus strand): 5'-ACCACCAGAAATCTCTGTCCATTTCCCAGCAGCCAGAGCCGAAGTGTGCAGCGGCACCGG[G>A]GAAAGGTTCCGAATCTTCCGTGCCGAGAAGACCTATGCAGTGAAGGCCGGACGGTGGTAT-3'
Protein context (NP_001026.2, residues 1072-1092): AARAEVCSGT[Gly1082=]ERFRIFRAEK